The following is an entry in ClinVar:

NM_001003722.2(GLE1):c.1964+2T>C

Genes: GLE1 (GLE1 RNA export mediator; plus strand), LOC101929270 (uncharacterized LOC101929270; minus strand). Cytogenetic location: 9q34.11.
Variant type: single nucleotide variant.
Coding change: c.1964+2T>C on transcript NM_001003722.2 (MANE Select); the canonical splice donor site of the intron after coding-DNA position 1964, T replaced by C.
Molecular consequence: splice donor variant. On other transcripts: missense variant (1).
Genome position (GRCh38, 1-based): chr9:128,539,700, T>C. VCF-style: chr9-128539700-T-C. GRCh37 (hg19) VCF-style: chr9-131301979-T-C.
Other names: c.1966T>C, p.Tyr656His (NM_001499.2); c.1991+2T>C (NM_001411013.1); short protein forms Y656H.
Identifiers: ClinVar variation 1324479 (VCV001324479.6), dbSNP rs773083669, ClinGen allele CA5264006.
Genomic context (GRCh38, chr9:128,539,700, plus strand): 5'-CAATACCAGGTTCAGTTCTGGAAGATGCTAATTCTCATCAAAGAGGACTACTTTCCCAGG[T>C]ATCAGGCTTGTTGAGCAGACAGCAGGGGATTAAGTAACTCATAACCAGGCCTCAGATACC-3'

ClinVar aggregate classification (germline): Likely pathogenic. Review status: criteria provided, multiple submitters, no conflicts (2 of 4 stars). 2 submissions from 2 submitters: Likely pathogenic (2). Last evaluated 2025-02-04.

Conditions:
Lethal congenital contractural syndrome Finnish type.

Allele frequency attached by ClinVar (database versions not stated): ExAC 0.00002; gnomAD exomes 0.00003.

Submissions (2):

Natera, Inc.
Classification: Likely pathogenic for Lethal congenital contractural syndrome Finnish type. Last evaluated: 2025-02-04. Review status: criteria provided, single submitter. Criteria: Natera Variant Classification Schema (03/2026). Collection method: clinical testing. Allele origin: germline.
Comment: The c.1964+2T>C variant in GLE1 is a canonical splice donor site variant predicted to affect pre-mRNA splicing, which may result in an abnormal transcript and altered protein product. This variant is expected to result in nonsense mediated decay, truncation, or a dysfunctional protein product. This variant is rare in the general population with a frequency below the threshold expected for the associated phenotype(s). Given the available evidence, this variant is classified as Likely Pathogenic.

Revvity Omics, Revvity
Classification: Likely pathogenic. Last evaluated: 2020-12-18. Review status: criteria provided, single submitter. Criteria: ACMG Guidelines, 2015. Collection method: clinical testing. Allele origin: germline.